The following is an entry in ClinVar:

ClinVar aggregate classification (germline): Uncertain significance (1 of 4 stars; one submission).

Conditions:
Camptomelic dysplasia (CMPD). Also called: CMPD1/SRA1; Campomelic Dysplasia. Identifiers: Orphanet 140, MedGen C1861922, MONDO:0007251, OMIM 114290.

gnomAD v4.1: 3 of 1,608,674 alleles (0.00019%); highest among the groups gnomAD compares: Non-Finnish European, 0.00025%; no homozygotes.

Submission:

Labcorp Genetics (formerly Invitae), Labcorp
Classification: Uncertain significance for Camptomelic dysplasia. Last evaluated: 2023-10-24. Review status: criteria provided, single submitter. Criteria: Invitae Variant Classification Sherloc (09022015). Collection method: clinical testing. Allele origin: germline.
Comment: This sequence change replaces arginine, which is basic and polar, with glutamine, which is neutral and polar, at codon 47 of the SOX9 protein (p.Arg47Gln). This variant is not present in population databases (gnomAD no frequency). This variant has not been reported in the literature in individuals affected with SOX9-related conditions. Advanced modeling of protein sequence and biophysical properties (such as structural, functional, and spatial information, amino acid conservation, physicochemical variation, residue mobility, and thermodynamic stability) performed at Invitae indicates that this missense variant is not expected to disrupt SOX9 protein function with a negative predictive value of 80%. In summary, the available evidence is currently insufficient to determine the role of this variant in disease. Therefore, it has been classified as a Variant of Uncertain Significance.

NM_000346.4(SOX9):c.140G>A (p.Arg47Gln)

Genes: SOX9 (SRY-box transcription factor 9; plus strand), LOC108021846 (SOX9 promoter region; plus strand). Cytogenetic location: 17q24.3.
Variant type: single nucleotide variant.
Coding change: c.140G>A on transcript NM_000346.4 (MANE Select); coding-DNA position 140, G replaced by A.
Protein change: p.Arg47Gln; replaces arginine 47 with glutamine.
Molecular consequence: missense variant.
Genome position (GRCh38, 1-based): chr17:72,121,531, G>A. VCF-style: chr17-72121531-G-A. GRCh37 (hg19) VCF-style: chr17-70117672-G-A.
Other names: short protein forms R47Q.
Identifiers: ClinVar variation 3002995 (VCV003002995.3), dbSNP rs752124347, ClinGen allele CA400865600.